The following is an entry in ClinVar:

ClinVar aggregate classification (germline): Likely benign. Review status: criteria provided, single submitter (1 of 4 stars). 2 submissions from 2 submitters: Likely benign (1). 1 of the submissions does not count toward it. Last evaluated 2024-11-08.

Conditions:
CELSR1-related disorder. Also called: CELSR1-related condition.

Allele frequency attached by ClinVar (database versions not stated): 1000 Genomes Project 30x 0.00016; 1000 Genomes Project 0.00020; ExAC 0.00204; gnomAD 0.00224; ESP Exome Variant Server 0.00231; TOPMed 0.00232.
gnomAD v4.1: 5,753 of 1,612,990 alleles (0.36%); highest among the groups gnomAD compares: Non-Finnish European, 0.46%; 13 homozygotes.

Submissions (2):

Blueprint Genetics
Classification: Likely benign. Last evaluated: 2024-11-08. Review status: criteria provided, single submitter. Criteria: ACMG Guidelines, 2015. Collection method: clinical testing. Allele origin: germline.

PreventionGenetics, part of Exact Sciences
Classification: Likely benign for CELSR1-related condition. Last evaluated: 2019-11-26. Review status: no assertion criteria provided. Collection method: clinical testing. Allele origin: germline. Not counted in ClinVar's aggregate classification.
Comment: This variant is classified as likely benign based on ACMG/AMP sequence variant interpretation guidelines (Richards et al. 2015 PMID: 25741868, with internal and published modifications).

NM_001378328.1(CELSR1):c.2829C>T (p.Ile943=)

Gene: CELSR1 (cadherin EGF LAG seven-pass G-type receptor 1; minus strand). Cytogenetic location: 22q13.31.
Variant type: single nucleotide variant.
Coding change: c.2829C>T on transcript NM_001378328.1 (MANE Select); coding-DNA position 2829, C replaced by T.
Protein change: p.Ile943=; no amino-acid change (isoleucine 943 retained).
Molecular consequence: synonymous variant.
Genome position (GRCh38, 1-based): chr22:46,534,342, G>A on the plus strand (C>T on the coding strand, the complement: CELSR1 is on the minus strand). VCF-style: chr22-46534342-G-A. GRCh37 (hg19) VCF-style: chr22-46930239-G-A.
Other names: c.2829C>T, p.Ile943= (NM_014246.4).
Identifiers: ClinVar variation 3059584 (VCV003059584.3), dbSNP rs35087594, ClinGen allele CA10295159.
Genomic context (GRCh38, chr22:46,534,342, plus strand): 5'-CACGGCCACATTCTCCCGGTCCAGCCGGCGCTGGGTGCGAATCACACCGGACGTGGGCTC[G>A]ATGTAGAAGTCCCCATCGCCGTCGTCCCCACCCTGGAAGGTGTACAGCAGACGCCCATTG-3'
Protein context (NP_001365257.1, residues 933-953): GGDDGDGDFY[Ile943=]EPTSGVIRTQ